The following is an entry in ClinVar:

NM_000266.4(NDP):c.310A>G (p.Lys104Glu)

Genes: NDP (norrin cystine knot growth factor NDP; minus strand), NDP-AS1 (NDP antisense RNA 1; plus strand). Cytogenetic location: Xp11.3.
Variant type: single nucleotide variant.
Coding change: c.310A>G on transcript NM_000266.4 (MANE Select); coding-DNA position 310, A replaced by G.
Protein change: p.Lys104Glu; replaces lysine 104 with glutamic acid.
Molecular consequence: missense variant. On other transcripts: non-coding transcript variant (1).
Genome position (GRCh38, 1-based): chrX:43,949,891, T>C on the plus strand (A>G on the coding strand, the complement: NDP is on the minus strand). VCF-style: chrX-43949891-T-C. GRCh37 (hg19) VCF-style: chrX-43809137-T-C.
Other names: short protein forms K104E.
Identifiers: ClinVar variation 2007258 (VCV002007258.4), dbSNP rs2519314939, ClinGen allele CA413007454.

ClinVar aggregate classification (germline): Uncertain significance (1 of 4 stars; one submission).

Submission:

Labcorp Genetics (formerly Invitae), Labcorp
Classification: Uncertain significance. Last evaluated: 2022-07-30. Review status: criteria provided, single submitter. Criteria: Invitae Variant Classification Sherloc (09022015). Collection method: clinical testing. Allele origin: germline.
Comment: This sequence change replaces lysine, which is basic and polar, with glutamic acid, which is acidic and polar, at codon 104 of the NDP protein (p.Lys104Glu). This variant is not present in population databases (gnomAD no frequency). This missense change has been observed in individual(s) with clinical features of familial exudative vitreoretinopathy (Invitae). Algorithms developed to predict the effect of missense changes on protein structure and function (SIFT, PolyPhen-2, Align-GVGD) all suggest that this variant is likely to be disruptive. Experimental studies have shown that this missense change affects NDP function (PMID: 26158506). This variant disrupts the p.Lys104 amino acid residue in NDP. Other variant(s) that disrupt this residue have been observed in individuals with NDP-related conditions (PMID: 7795608, 27720678; Invitae), which suggests that this may be a clinically significant amino acid residue. In summary, the available evidence is currently insufficient to determine the role of this variant in disease. Therefore, it has been classified as a Variant of Uncertain Significance.

Literature cited by the submitters: PubMed 26158506; PubMed 7795608; PubMed 27720678.